The following is an entry in ClinVar:

NM_002206.3(ITGA7):c.2844+19C>T

Gene: ITGA7 (integrin subunit alpha 7; minus strand). Cytogenetic location: 12q13.2.
Variant type: single nucleotide variant.
Coding change: c.2844+19C>T on transcript NM_002206.3 (MANE Select); 19 bases into the intron after coding-DNA position 2844, C replaced by T.
Molecular consequence: intron variant.
Genome position (GRCh38, 1-based): chr12:55,692,825, G>A on the plus strand (C>T on the coding strand, the complement: ITGA7 is on the minus strand). VCF-style: chr12-55692825-G-A. GRCh37 (hg19) VCF-style: chr12-56086609-G-A.
Other names: c.2565+19C>T (NM_001144997.2); c.2517+19C>T (NM_001367993.1); c.2505+19C>T (NM_001414035.1); c.2661+19C>T (NM_001414033.1); c.1500+19C>T (NM_001367994.1); c.2724+19C>T (NM_001414032.1); c.2757+19C>T (NM_001414031.1); c.2826+19C>T (NM_001374465.1); and 5 more.
Identifiers: ClinVar variation 512264 (VCV000512264.15), dbSNP rs141542046, ClinGen allele CA6615450.

ClinVar aggregate classification (germline): Likely benign. Review status: criteria provided, multiple submitters, no conflicts (2 of 4 stars). 2 submissions from 2 submitters: Likely benign (2). Last evaluated 2025-12-11.

Conditions:
Congenital muscular dystrophy due to integrin alpha-7 deficiency. Also called: MYOPATHY, CONGENITAL, DUE TO INTEGRIN ALPHA-7 DEFICIENCY; Congenital muscular dystrophy with integrin alpha-7 deficiency; Muscular dystrophy, congenital, due to ITGA7 deficiency. Identifiers: Orphanet 34520, MedGen C2750786, MONDO:0013177, OMIM 613204.

Allele frequency attached by ClinVar (database versions not stated): gnomAD exomes 0.00010; ESP Exome Variant Server 0.00015; 1000 Genomes Project 30x 0.00016; 1000 Genomes Project 0.00020; ExAC 0.00020; gnomAD 0.00026 and 0.00027; TOPMed 0.00026.
gnomAD v4.1: 118 of 1,597,490 alleles (0.0074%); highest among the groups gnomAD compares: African/African-American, 0.086%; 1 homozygote.

Submissions (2):

Labcorp Genetics (formerly Invitae), Labcorp
Classification: Likely benign for Congenital muscular dystrophy due to integrin alpha-7 deficiency. Last evaluated: 2025-12-11. Review status: criteria provided, single submitter. Criteria: Invitae Variant Classification Sherloc (09022015). Collection method: clinical testing. Allele origin: germline.

GeneDx
Classification: Likely benign. Last evaluated: 2017-09-25. Review status: criteria provided, single submitter. Criteria: GeneDx Variant Classification (06012015). Collection method: clinical testing. Allele origin: germline. Affected: yes.
Comment: This variant is considered likely benign or benign based on one or more of the following criteria: it is a conservative change, it occurs at a poorly conserved position in the protein, it is predicted to be benign by multiple in silico algorithms, and/or has population frequency not consistent with disease.